The following is an entry in ClinVar:

ClinVar aggregate classification (germline): Uncertain significance (1 of 4 stars; one submission).

Conditions:
Inborn genetic diseases. Identifiers: MedGen C0950123, MeSH D030342.

Submission:

Ambry Genetics
Classification: Uncertain significance for Inborn genetic diseases. Last evaluated: 2025-02-09. Review status: criteria provided, single submitter. Criteria: Ambry Variant Classification Scheme 2023. Collection method: clinical testing. Allele origin: germline.
Comment: The p.H883P variant (also known as c.2648A>C), located in coding exon 27 of the RTEL1 gene, results from an A to C substitution at nucleotide position 2648. The histidine at codon 883 is replaced by proline, an amino acid with similar properties. This amino acid position is conserved. In addition, this alteration is predicted to be tolerated by in silico analysis. Based on the available evidence, the clinical significance of this variant remains unclear.

NM_001283009.2(RTEL1):c.2648A>C (p.His883Pro)

Genes: RTEL1 (regulator of telomere elongation helicase 1; plus strand), RTEL1-TNFRSF6B (RTEL1-TNFRSF6B readthrough (NMD candidate); plus strand). Cytogenetic location: 20q13.33.
Variant type: single nucleotide variant.
Coding change: c.2648A>C on transcript NM_001283009.2 (MANE Select); coding-DNA position 2648, A replaced by C.
Protein change: p.His883Pro; replaces histidine 883 with proline.
Molecular consequence: missense variant. On other transcripts: non-coding transcript variant (1).
Genome position (GRCh38, 1-based): chr20:63,691,833, A>C. VCF-style: chr20-63691833-A-C. GRCh37 (hg19) VCF-style: chr20-62323186-A-C.
Other names: c.1979A>C, p.His660Pro (NM_001283010.1); c.2648A>C, p.His883Pro (NM_016434.4); c.2720A>C, p.His907Pro (NM_032957.5); short protein forms H883P, H660P, H907P.
Identifiers: ClinVar variation 3791133 (VCV003791133.1).